The following is an entry in ClinVar:

ClinVar aggregate classification (germline): Uncertain significance (1 of 4 stars; one submission).

Submission:

Labcorp Genetics (formerly Invitae), Labcorp
Classification: Uncertain significance. Last evaluated: 2022-12-20. Review status: criteria provided, single submitter. Criteria: Invitae Variant Classification Sherloc (09022015). Collection method: clinical testing. Allele origin: germline.
Comment: In summary, the available evidence is currently insufficient to determine the role of this variant in disease. Therefore, it has been classified as a Variant of Uncertain Significance. Advanced modeling of protein sequence and biophysical properties (such as structural, functional, and spatial information, amino acid conservation, physicochemical variation, residue mobility, and thermodynamic stability) performed at Invitae indicates that this missense variant is not expected to disrupt ITPR1 protein function. ClinVar contains an entry for this variant (Variation ID: 1715378). This variant has not been reported in the literature in individuals affected with ITPR1-related conditions. This variant is not present in population databases (gnomAD no frequency). This sequence change replaces aspartic acid, which is acidic and polar, with glutamic acid, which is acidic and polar, at codon 2089 of the ITPR1 protein (p.Asp2089Glu).

NM_001378452.1(ITPR1):c.6456T>G (p.Asp2152Glu)

Gene: ITPR1 (inositol 1,4,5-trisphosphate receptor type 1; plus strand). Cytogenetic location: 3p26.1.
Variant type: single nucleotide variant.
Coding change: c.6456T>G on transcript NM_001378452.1 (MANE Select); coding-DNA position 6456, T replaced by G.
Protein change: p.Asp2152Glu; replaces aspartic acid 2152 with glutamic acid.
Molecular consequence: missense variant.
Genome position (GRCh38, 1-based): chr3:4,782,687, T>G. VCF-style: chr3-4782687-T-G. GRCh37 (hg19) VCF-style: chr3-4824371-T-G.
Other names: c.6312T>G, p.Asp2104Glu (NM_001099952.4); c.6411T>G, p.Asp2137Glu (NM_001168272.2); c.6267T>G, p.Asp2089Glu (NM_002222.7); short protein forms D2089E, D2104E, D2137E, D2152E.
Identifiers: ClinVar variation 1715378 (VCV001715378.5), dbSNP rs2470084419, ClinGen allele CA351639351.